The following is an entry in ClinVar:

ClinVar aggregate classification (germline): Benign/Likely benign. Review status: criteria provided, multiple submitters, no conflicts (2 of 4 stars). 3 submissions from 2 submitters: Benign (1); Likely benign (2). Last evaluated 2022-02-23.

Conditions:
Dilated cardiomyopathy 1J (CMD1J). Also called: CARDIOMYOPATHY, DILATED, WITH SENSORINEURAL HEARING LOSS, AUTOSOMAL DOMINANT. Identifiers: Orphanet 217622, MedGen C1854368, MONDO:0011541, OMIM 605362.
Autosomal dominant nonsyndromic hearing loss 10. Identifiers: Orphanet 90635, MedGen C1832476, MONDO:0011031, OMIM 601316.

Allele frequency attached by ClinVar (database versions not stated): gnomAD 0.00369 and 0.00372; gnomAD exomes 0.00462; 1000 Genomes Project 0.00479; 1000 Genomes Project 30x 0.00578; TOPMed 0.00725.
gnomAD v4.1: 573 of 153,192 alleles (0.37%); highest among the groups gnomAD compares: Admixed American, 2.7%; 6 homozygotes.

Submissions (3):

Fulgent Genetics
Classification: Likely benign for Autosomal dominant nonsyndromic hearing loss 10; Dilated cardiomyopathy 1J. Last evaluated: 2022-02-23. Review status: criteria provided, single submitter. Criteria: ACMG Guidelines, 2015. Collection method: clinical testing. Allele origin: unknown.

Illumina Laboratory Services, Illumina
Classification: Likely benign for Dilated cardiomyopathy 1J. Last evaluated: 2018-01-13. Review status: criteria provided, single submitter. Criteria: ICSL Variant Classification Criteria 13 December 2019. Collection method: clinical testing. Allele origin: germline.
Comment: This variant was observed in the ICSL laboratory as part of a predisposition screen in an ostensibly healthy population. It had not been previously curated by ICSL or reported in the Human Gene Mutation Database (HGMD: prior to June 1st, 2018), and was therefore a candidate for classification through an automated scoring system. Utilizing variant allele frequency, disease prevalence and penetrance estimates, and inheritance mode, an automated score was calculated to assess if this variant is too frequent to cause the disease. Based on the score and internal cut-off values, a variant classified as likely benign is not then subjected to further curation. The score for this variant resulted in a classification of likely benign for this disease.

Illumina Laboratory Services, Illumina
Classification: Benign for Autosomal dominant nonsyndromic hearing loss 10. Last evaluated: 2018-01-13. Review status: criteria provided, single submitter. Criteria: ICSL Variant Classification Criteria 13 December 2019. Collection method: clinical testing. Allele origin: germline.
Comment: This variant was observed in the ICSL laboratory as part of a predisposition screen in an ostensibly healthy population. It had not been previously curated by ICSL or reported in the Human Gene Mutation Database (HGMD: prior to June 1st, 2018), and was therefore a candidate for classification through an automated scoring system. Utilizing variant allele frequency, disease prevalence and penetrance estimates, and inheritance mode, an automated score was calculated to assess if this variant is too frequent to cause the disease. Based on the score and internal cut-off values, a variant classified as benign is not then subjected to further curation. The score for this variant resulted in a classification of benign for this disease.

NM_004100.5(EYA4):c.*2918G>A

Genes: TARID (TCF21 antisense RNA inducing promoter demethylation; minus strand), EYA4 (EYA transcriptional coactivator and phosphatase 4; plus strand). Cytogenetic location: 6q23.2.
Variant type: single nucleotide variant.
Coding change: c.*2918G>A on transcript NM_004100.5 (MANE Select); 2918 bases downstream of the stop codon, G replaced by A.
Molecular consequence: 3 prime UTR variant.
Genome position (GRCh38, 1-based): chr6:133,531,723, G>A. VCF-style: chr6-133531723-G-A. GRCh37 (hg19) VCF-style: chr6-133852861-G-A.
Other names: c.*2918G>A (NM_001301012.2, NM_001301013.2, NM_001370458.1 and 3 more transcripts).
Identifiers: ClinVar variation 905715 (VCV000905715.5), dbSNP rs75986250, ClinGen allele CA148051692.